The following is an entry in ClinVar:

NM_000782.5(CYP24A1):c.859G>A (p.Asp287Asn)

Gene: CYP24A1 (cytochrome P450 family 24 subfamily A member 1; minus strand). Cytogenetic location: 20q13.2.
Variant type: single nucleotide variant.
Coding change: c.859G>A on transcript NM_000782.5 (MANE Select); coding-DNA position 859, G replaced by A.
Protein change: p.Asp287Asn; replaces aspartic acid 287 with asparagine.
Molecular consequence: missense variant.
Genome position (GRCh38, 1-based): chr20:54,162,848, C>T on the plus strand (G>A on the coding strand, the complement: CYP24A1 is on the minus strand). VCF-style: chr20-54162848-C-T. GRCh37 (hg19) VCF-style: chr20-52779387-C-T.
Other names: c.859G>A, p.Asp287Asn (NM_001128915.2); c.859G>A (NM_000782.4); short protein forms D287N.
Identifiers: ClinVar variation 1406180 (VCV001406180.8), dbSNP rs375976660, ClinGen allele CA9915960.

ClinVar aggregate classification (germline): Conflicting classifications of pathogenicity. Review status: criteria provided, conflicting classifications (1 of 4 stars). 2 submissions from 2 submitters: Uncertain significance (1); Likely benign (1). Last evaluated 2023-05-31.

Conditions:
Inborn genetic diseases. Identifiers: MedGen C0950123, MeSH D030342.

Allele frequency attached by ClinVar (database versions not stated): gnomAD 0.00001 and 0.00003; ExAC 0.00003; gnomAD exomes 0.00003; TOPMed 0.00003; ESP Exome Variant Server 0.00015.
gnomAD v4.1: 45 of 1,576,512 alleles (0.0029%); highest among the groups gnomAD compares: Middle Eastern, 0.017%; no homozygotes.

Submissions (2):

Ambry Genetics
Classification: Likely benign for Inborn genetic diseases. Last evaluated: 2023-05-31. Review status: criteria provided, single submitter. Criteria: Ambry Variant Classification Scheme 2023. Collection method: clinical testing. Allele origin: germline.

Labcorp Genetics (formerly Invitae), Labcorp
Classification: Uncertain significance. Last evaluated: 2020-12-13. Review status: criteria provided, single submitter. Criteria: Invitae Variant Classification Sherloc (09022015). Collection method: clinical testing. Allele origin: germline.
Comment: This sequence change replaces aspartic acid with asparagine at codon 287 of the CYP24A1 protein (p.Asp287Asn). The aspartic acid residue is highly conserved and there is a small physicochemical difference between aspartic acid and asparagine. This variant is present in population databases (rs375976660, ExAC 0.01%). This variant has not been reported in the literature in individuals with CYP24A1-related conditions. Advanced modeling of protein sequence and biophysical properties (such as structural, functional, and spatial information, amino acid conservation, physicochemical variation, residue mobility, and thermodynamic stability) performed at Invitae indicates that this missense variant is not expected to disrupt CYP24A1 protein function. In summary, the available evidence is currently insufficient to determine the role of this variant in disease. Therefore, it has been classified as a Variant of Uncertain Significance.